The following is an entry in ClinVar:

NM_004004.6(GJB2):c.-23+12G>A

Gene: GJB2 (gap junction protein beta 2; minus strand). Cytogenetic location: 13q12.11.
Variant type: single nucleotide variant.
Coding change: c.-23+12G>A on transcript NM_004004.6 (MANE Select); 12 bases into the intron after 23 bases upstream of the start codon, G replaced by A.
Molecular consequence: intron variant.
Genome position (GRCh38, 1-based): chr13:20,192,771, C>T on the plus strand (G>A on the coding strand, the complement: GJB2 is on the minus strand). VCF-style: chr13-20192771-C-T. GRCh37 (hg19) VCF-style: chr13-20766910-C-T.
Identifiers: ClinVar variation 44718 (VCV000044718.10), dbSNP rs397516866, ClinGen allele CA134943.

ClinVar aggregate classification (germline): Benign/Likely benign. Review status: criteria provided, multiple submitters, no conflicts (2 of 4 stars). 5 submissions from 5 submitters: Benign (3); Likely benign (2). Last evaluated 2024-10-22.

Allele frequency attached by ClinVar (database versions not stated): 1000 Genomes Project 0.00519; 1000 Genomes Project 30x 0.00531; gnomAD 0.00541; TOPMed 0.00633.

Submissions (5):

Blueprint Genetics
Classification: Likely benign. Last evaluated: 2024-10-22. Review status: criteria provided, single submitter. Criteria: ACMG Guidelines, 2015. Collection method: clinical testing. Allele origin: germline.

GeneDx
Classification: Likely benign. Last evaluated: 2018-11-06. Review status: criteria provided, single submitter. Criteria: GeneDx Variant Classification Process June 2021. Collection method: clinical testing. Allele origin: germline. Affected: yes.

Women's Health and Genetics/Laboratory Corporation of America, LabCorp
Classification: Benign. Last evaluated: 2017-12-05. Review status: criteria provided, single submitter. Criteria: LabCorp Variant Classification Summary - May 2015. Collection method: clinical testing. Allele origin: germline.
Comment: Variant summary: The GJB2 c.-23+12G>A variant involves the alteration of a non-conserved nucleotide in the first intron of the gene. One in silico tool predicts a benign outcome for this variant and 4/5 splice prediction tools predict no significant impact on normal splicing. ESE finder predicts that this variant may affect ESE sites at the locus. However, these predictions have yet to be confirmed by functional studies. This variant was found in 167/30820 control chromosomes (2 homozygotes), predominantly observed in the African subpopulation at a frequency of 0.018983 (165/8692). This frequency is about 56 times the estimated maximal expected allele frequency of a dominant pathogenic GJB2 variant (0.0003376), suggesting this is likely a benign polymorphism found primarily in the populations of African origin. In a recessive inheritance model, this frequency does not exceed the maximal expected frequency for a recessive pathogenic GJB2 variant (0.02598). However, the presence of two normal homozygous individuals in the gnomAD database support a benign impact of this variant in either inheritance model. The variant has been found in at least 7 hearing loss patients. However, in 6 reported patients, this variant was found in heterozygous state, suggesting that this variant might not explain the phenotype in the patients because hearing loss is predominantly a recessive disorder, and the high allele frequency in African controls suggests that this variant is not a dominant hearing loss causative variant. In addition, multiple clinical diagnostic laboratories/reputable databases classified this variant as likely benign or benign. Taken together, this variant is classified as benign.

Laboratory for Molecular Medicine, Mass General Brigham Personalized Medicine
Classification: Benign. Last evaluated: 2017-11-27. Review status: criteria provided, single submitter. Criteria: LMM Criteria. Collection method: clinical testing. Allele origin: germline. Observed: 9 variant alleles.
Comment: c.-23+12G>A in intron 1 of GJB2: This variant is not expected to have clinical s ignificance because it has been identified in 1.9% (165/8692) of African chromos omes by the Genome Aggregation Database (gnomAD, g; dbSNP rs397516866).

PreventionGenetics, part of Exact Sciences
Classification: Benign. Review status: criteria provided, single submitter. Criteria: ACMG Guidelines, 2015. Collection method: clinical testing. Allele origin: germline.

Literature cited by the submitters: PubMed 24706568 (cited by Women's Health and Genetics/Laboratory Corporation of America, LabCorp); PubMed 22103400 (cited by Women's Health and Genetics/Laboratory Corporation of America, LabCorp); PubMed 28642064 (cited by Women's Health and Genetics/Laboratory Corporation of America, LabCorp); PubMed 17041943 (cited by Women's Health and Genetics/Laboratory Corporation of America, LabCorp).